The following is an entry in ClinVar:

NM_001330260.2(SCN8A):c.1908C>G (p.Ser636Arg)

Gene: SCN8A (sodium voltage-gated channel alpha subunit 8; plus strand). Cytogenetic location: 12q13.13.
Variant type: single nucleotide variant.
Coding change: c.1908C>G on transcript NM_001330260.2 (MANE Select); coding-DNA position 1908, C replaced by G.
Protein change: p.Ser636Arg; replaces serine 636 with arginine.
Molecular consequence: missense variant.
Genome position (GRCh38, 1-based): chr12:51,721,818, C>G. VCF-style: chr12-51721818-C-G. GRCh37 (hg19) VCF-style: chr12-52115602-C-G.
Other names: c.1908C>G, p.Ser636Arg (NM_001177984.3, NM_001369788.1, NM_014191.4); short protein forms S636R.
Identifiers: ClinVar variation 2831676 (VCV002831676.3), dbSNP rs1053543226, ClinGen allele CA385229836.

ClinVar aggregate classification (germline): Uncertain significance (1 of 4 stars; one submission).

Conditions:
Early-infantile DEE. Also called: Early infantile epileptic encephalopathy; Early infantile epileptic encephalopathy with suppression bursts; Ohtahara syndrome. Identifiers: Orphanet 1934, MedGen C0393706, MONDO:0800491.

gnomAD v4.1: 2 of 1,607,330 alleles (0.00012%); highest among the groups gnomAD compares: Non-Finnish European, 0.00017%; no homozygotes.

Submission:

Labcorp Genetics (formerly Invitae), Labcorp
Classification: Uncertain significance for Early-infantile DEE. Last evaluated: 2023-08-17. Review status: criteria provided, single submitter. Criteria: Invitae Variant Classification Sherloc (09022015). Collection method: clinical testing. Allele origin: germline.
Comment: In summary, the available evidence is currently insufficient to determine the role of this variant in disease. Therefore, it has been classified as a Variant of Uncertain Significance. Advanced modeling of protein sequence and biophysical properties (such as structural, functional, and spatial information, amino acid conservation, physicochemical variation, residue mobility, and thermodynamic stability) performed at Invitae indicates that this missense variant is not expected to disrupt SCN8A protein function. This sequence change replaces serine, which is neutral and polar, with arginine, which is basic and polar, at codon 636 of the SCN8A protein (p.Ser636Arg). This variant is not present in population databases (gnomAD no frequency). This variant has not been reported in the literature in individuals affected with SCN8A-related conditions.